The following is an entry in ClinVar:

ClinVar aggregate classification (germline): Likely pathogenic (1 of 4 stars; one submission).

Conditions:
Autosomal recessive limb-girdle muscular dystrophy type 2J (LGMDR10). Also called: Limb-girdle muscular dystrophy, type 2J; MUSCULAR DYSTROPHY, LIMB-GIRDLE, AUTOSOMAL RECESSIVE 10. Identifiers: Orphanet 140922, MedGen C1837342, MONDO:0012127, OMIM 608807.
Dilated cardiomyopathy 1G (CMD1G). Identifiers: Orphanet 154, MedGen C1858763, MONDO:0011400, OMIM 604145.

Submission:

Labcorp Genetics (formerly Invitae), Labcorp
Classification: Likely pathogenic for Dilated cardiomyopathy 1G; Autosomal recessive limb-girdle muscular dystrophy type 2J. Last evaluated: 2019-09-11. Review status: criteria provided, single submitter. Criteria: Invitae Variant Classification Sherloc (09022015). Collection method: clinical testing. Allele origin: germline.
Comment: This variant is located in the A band of TTN (PMID: 25589632). Truncating variants in this region are significantly overrepresented in patients affected with dilated cardiomyopathy (PMID: 25589632). Truncating variants in this region have also been reported in individuals affected with autosomal recessive centronuclear myopathy (PMID: 23975875). This variant has not been reported in the literature in individuals with TTN-related conditions. This variant is not present in population databases (ExAC no frequency). This sequence change results in a premature translational stop signal in the TTN gene (p.Tyr26457*). While this is not anticipated to result in nonsense mediated decay, it is expected to create a truncated TTN protein. In summary, the currently available evidence indicates that the variant is pathogenic, but additional data are needed to prove that conclusively. Therefore, this variant has been classified as Likely Pathogenic.

Literature cited by the submitters: PubMed 25589632; PubMed 23975875.

NM_001267550.2(TTN):c.79371T>A (p.Tyr26457Ter)

Genes: TTN-AS1 (TTN antisense RNA 1; plus strand), TTN (titin; minus strand). Cytogenetic location: 2q31.2.
Variant type: single nucleotide variant.
Coding change: c.79371T>A on transcript NM_001267550.2 (MANE Select); coding-DNA position 79371, T replaced by A.
Protein change: p.Tyr26457Ter; replaces tyrosine 26457 with a stop codon.
Molecular consequence: nonsense.
Genome position (GRCh38, 1-based): chr2:178,566,761, A>T on the plus strand (T>A on the coding strand, the complement: TTN is on the minus strand). VCF-style: chr2-178566761-A-T. GRCh37 (hg19) VCF-style: chr2-179431488-A-T.
Other names: c.74448T>A, p.Tyr24816Ter (NM_001256850.1); c.52176T>A, p.Tyr17392Ter (NM_003319.4); c.71667T>A, p.Tyr23889Ter (NM_133378.4); c.52551T>A, p.Tyr17517Ter (NM_133432.3); c.52752T>A, p.Tyr17584Ter (NM_133437.4); short protein forms Y17584*, Y24816*, Y17392*, Y26457*, Y17517*, Y23889*.
Identifiers: ClinVar variation 948020 (VCV000948020.10), dbSNP rs1706021639, ClinGen allele CA349597207.